The following is an entry in ClinVar:

ClinVar aggregate classification (germline): Benign. Review status: criteria provided, multiple submitters, no conflicts (2 of 4 stars). 12 submissions from 12 submitters: Benign (9). 3 of the submissions do not count toward it. Last evaluated 2026-06-12.

Conditions:
Usher syndrome type 2C. Also called: Usher syndrome, type 2B; USHER SYNDROME, TYPE IIC. Identifiers: Orphanet 231178, Orphanet 886, MedGen C2931213, MONDO:0011558, OMIM 605472.

Allele frequency attached by ClinVar (database versions not stated): gnomAD exomes 0.73281 and 0.68816; gnomAD 0.76285 and 0.76168; ESP Exome Variant Server 0.74864; ExAC 0.73220; 1000 Genomes Project 30x 0.81949; TOPMed 0.77836; 1000 Genomes Project 0.82129.
gnomAD v4.1: 1,118,814 of 1,607,338 alleles (70%); highest among the groups gnomAD compares: African/African-American, 92%; 393,400 homozygotes.

Submissions (12):

Women's Health and Genetics/Laboratory Corporation of America, LabCorp
Classification: Benign. Last evaluated: 2026-06-12. Review status: criteria provided, single submitter. Criteria: LabCorp Variant Classification Summary - May 2015. Collection method: clinical testing. Allele origin: germline.

Labcorp Genetics (formerly Invitae), Labcorp
Classification: Benign. Last evaluated: 2026-02-04. Review status: criteria provided, single submitter. Criteria: Invitae Variant Classification Sherloc (09022015). Collection method: clinical testing. Allele origin: germline.

Genome-Nilou Lab
Classification: Benign for Usher syndrome type 2C. Last evaluated: 2021-08-10. Review status: criteria provided, single submitter. Criteria: ACMG Guidelines, 2015. Collection method: clinical testing. Allele origin: germline. Affected: no.

Mayo Clinic Laboratories, Mayo Clinic
Classification: Benign. Last evaluated: 2020-10-02. Review status: criteria provided, single submitter. Criteria: ACMG Guidelines, 2015. Collection method: clinical testing. Allele origin: germline. Observed: 145 variant alleles.

Illumina Laboratory Services, Illumina
Classification: Benign for Usher syndrome type 2C. Last evaluated: 2018-01-12. Review status: criteria provided, single submitter. Criteria: ICSL Variant Classification Criteria 13 December 2019. Collection method: clinical testing. Allele origin: germline.
Comment: This variant was observed in the ICSL laboratory as part of a predisposition screen in an ostensibly healthy population. It had not been previously curated by ICSL or reported in the Human Gene Mutation Database (HGMD: prior to June 1st, 2018), and was therefore a candidate for classification through an automated scoring system. Utilizing variant allele frequency, disease prevalence and penetrance estimates, and inheritance mode, an automated score was calculated to assess if this variant is too frequent to cause the disease. Based on the score and internal cut-off values, a variant classified as benign is not then subjected to further curation. The score for this variant resulted in a classification of benign for this disease.

GeneDx
Classification: Benign. Last evaluated: 2015-03-03. Review status: criteria provided, single submitter. Criteria: GeneDx Variant Classification Process June 2021. Collection method: clinical testing. Allele origin: germline. Affected: yes.

Eurofins Ntd Llc (ga)
Classification: Benign. Last evaluated: 2013-05-09. Review status: criteria provided, single submitter. Criteria: EGL Classification Definitions 2015. Collection method: clinical testing. Allele origin: germline. Observed: 1 variant allele, 1 homozygote.

Laboratory for Molecular Medicine, Mass General Brigham Personalized Medicine
Classification: Benign. Last evaluated: 2012-02-02. Review status: criteria provided, single submitter. Criteria: LMM Criteria. Collection method: clinical testing. Allele origin: germline. Observed: 1,452 variant alleles.
Comment: Caucasian frequency = 4403/6528 (LMM data)

PreventionGenetics, part of Exact Sciences
Classification: Benign. Review status: criteria provided, single submitter. Criteria: ACMG Guidelines, 2015. Collection method: clinical testing. Allele origin: germline.

Diagnostic Laboratory, Department of Genetics, University Medical Center Groningen
Classification: Benign. Review status: no assertion criteria provided. Collection method: clinical testing. Allele origin: germline. Affected: yes. Study: VKGL Data-share Consensus. Not counted in ClinVar's aggregate classification.

Genetic Services Laboratory, University of Chicago
Classification: Likely benign. Review status: no assertion criteria provided. Collection method: clinical testing. Allele origin: germline. Inheritance: Autosomal dominant inheritance. Not counted in ClinVar's aggregate classification.
Comment: Likely benign based on allele frequency in 1000 Genomes Project or ESP global frequency and its presence in a patient with a rare or unrelated disease phenotype. NOT Sanger confirmed

Joint Genome Diagnostic Labs from Nijmegen and Maastricht, Radboudumc and MUMC+
Classification: Benign. Review status: no assertion criteria provided. Collection method: clinical testing. Allele origin: germline. Affected: yes. Study: VKGL Data-share Consensus. Not counted in ClinVar's aggregate classification.

NM_032119.4(ADGRV1):c.2367+8C>T

Gene: ADGRV1 (adhesion G protein-coupled receptor V1; plus strand). Cytogenetic location: 5q14.3.
Variant type: single nucleotide variant.
Coding change: c.2367+8C>T on transcript NM_032119.4 (MANE Select); 8 bases into the intron after coding-DNA position 2367, C replaced by T.
Molecular consequence: intron variant.
Genome position (GRCh38, 1-based): chr5:90,642,770, C>T. VCF-style: chr5-90642770-C-T. GRCh37 (hg19) VCF-style: chr5-89938587-C-T.
Other names: p.?.
Identifiers: ClinVar variation 46305 (VCV000046305.35), dbSNP rs2366773, ClinGen allele CA138091.